The following is an entry in ClinVar:

NM_001378457.1(DMXL2):c.8321G>T (p.Ser2774Ile)

Gene: DMXL2 (Dmx like 2; minus strand). Cytogenetic location: 15q21.2.
Variant type: single nucleotide variant.
Coding change: c.8321G>T on transcript NM_001378457.1 (MANE Select); coding-DNA position 8321, G replaced by T.
Protein change: p.Ser2774Ile; replaces serine 2774 with isoleucine.
Molecular consequence: missense variant. On other transcripts: non-coding transcript variant (2).
Genome position (GRCh38, 1-based): chr15:51,457,344, C>A on the plus strand (G>T on the coding strand, the complement: DMXL2 is on the minus strand). VCF-style: chr15-51457344-C-A. GRCh37 (hg19) VCF-style: chr15-51749541-C-A.
Other names: c.8258G>T, p.Ser2753Ile (NM_001174116.3); c.6347G>T, p.Ser2116Ile (NM_001174117.3); c.8318G>T, p.Ser2773Ile (NM_001378458.1); c.8033G>T, p.Ser2678Ile (NM_001378459.1); c.6236G>T, p.Ser2079Ile (NM_001378460.1); c.8255G>T, p.Ser2752Ile (NM_015263.5); short protein forms S2116I, S2774I, S2079I, S2753I, S2773I, S2678I, S2752I.
Identifiers: ClinVar variation 2132677 (VCV002132677.4), dbSNP rs2039718410, ClinGen allele CA392436154.

ClinVar aggregate classification (germline): Uncertain significance (1 of 4 stars; one submission).

Submission:

Labcorp Genetics (formerly Invitae), Labcorp
Classification: Uncertain significance. Last evaluated: 2022-05-03. Review status: criteria provided, single submitter. Criteria: Invitae Variant Classification Sherloc (09022015). Collection method: clinical testing. Allele origin: germline.
Comment: This sequence change replaces serine, which is neutral and polar, with isoleucine, which is neutral and non-polar, at codon 2753 of the DMXL2 protein (p.Ser2753Ile). In summary, the available evidence is currently insufficient to determine the role of this variant in disease. Therefore, it has been classified as a Variant of Uncertain Significance. Algorithms developed to predict the effect of missense changes on protein structure and function (SIFT, PolyPhen-2, Align-GVGD) all suggest that this variant is likely to be tolerated. This variant has not been reported in the literature in individuals affected with DMXL2-related conditions. This variant is not present in population databases (gnomAD no frequency).